The following is an entry in ClinVar:

NM_001365276.2(TNXB):c.3997C>T (p.Arg1333Cys)

Gene: TNXB (tenascin XB; minus strand). Cytogenetic location: 6p21.33.
Variant type: single nucleotide variant.
Coding change: c.3997C>T on transcript NM_001365276.2 (MANE Select); coding-DNA position 3997, C replaced by T.
Protein change: p.Arg1333Cys; replaces arginine 1333 with cysteine.
Molecular consequence: missense variant.
Genome position (GRCh38, 1-based): chr6:32,081,413, G>A on the plus strand (C>T on the coding strand, the complement: TNXB is on the minus strand). VCF-style: chr6-32081413-G-A. GRCh37 (hg19) VCF-style: chr6-32049190-G-A.
Other names: c.4738C>T, p.Arg1580Cys (NM_001428335.1); c.3997C>T, p.Arg1333Cys (NM_019105.8); short protein forms R1333C, R1580C.
Identifiers: ClinVar variation 3972056 (VCV003972056.1).

ClinVar aggregate classification (germline): Uncertain significance (1 of 4 stars; one submission).

Conditions:
Cardiovascular phenotype. Identifiers: MedGen CN230736.

gnomAD v4.1: 16 of 1,550,598 alleles (0.001%); highest among the groups gnomAD compares: South Asian, 0.0024%; no homozygotes.

Submission:

Ambry Genetics
Classification: Uncertain significance for Cardiovascular phenotype. Last evaluated: 2025-06-10. Review status: criteria provided, single submitter. Criteria: Ambry Variant Classification Scheme 2023. Collection method: clinical testing. Allele origin: germline.
Comment: The p.R1333C variant (also known as c.3997C>T), located in coding exon 9 of the TNXB gene, results from a C to T substitution at nucleotide position 3997. The arginine at codon 1333 is replaced by cysteine, an amino acid with highly dissimilar properties. This amino acid position is conserved. In addition, this alteration is predicted to be tolerated by in silico analysis. Based on the available evidence, the clinical significance of this variant remains unclear.